The following is an entry in ClinVar:

ClinVar aggregate classification (germline): Conflicting classifications of pathogenicity. Review status: criteria provided, conflicting classifications (1 of 4 stars). 7 submissions from 7 submitters: Uncertain significance (2); Likely benign (5). Last evaluated 2025-12-17.

Conditions:
Autosomal recessive limb-girdle muscular dystrophy type 2A (LGMDR1). Also called: Limb-girdle muscular dystrophy, type 2A; Calpainopathy; Muscular dystrophy, limb-girdle, type 2A, Amish; LEYDEN-MOEBIUS MUSCULAR DYSTROPHY; MUSCULAR DYSTROPHY, PELVOFEMORAL. Identifiers: Orphanet 267, MedGen C1869123, MONDO:0009675, OMIM 253600. Disease mechanism: loss of function.

Allele frequency attached by ClinVar (database versions not stated): TOPMed 0.00010; gnomAD 0.00012 and 0.00013; gnomAD exomes 0.00014 and 0.00022; ESP Exome Variant Server 0.00015; 1000 Genomes Project 30x 0.00016; 1000 Genomes Project 0.00020; ExAC 0.00020.
gnomAD v4.1: 331 of 1,614,164 alleles (0.021%); highest among the groups gnomAD compares: Middle Eastern, 0.033%; no homozygotes.

Submissions (7):

Labcorp Genetics (formerly Invitae), Labcorp
Classification: Likely benign for Autosomal recessive limb-girdle muscular dystrophy type 2A. Last evaluated: 2025-12-17. Review status: criteria provided, single submitter. Criteria: Invitae Variant Classification Sherloc (09022015). Collection method: clinical testing. Allele origin: germline.

Blueprint Genetics
Classification: Likely benign. Last evaluated: 2024-07-11. Review status: criteria provided, single submitter. Criteria: ACMG Guidelines, 2015. Collection method: clinical testing. Allele origin: germline.

Genome-Nilou Lab
Classification: Likely benign for Autosomal recessive limb-girdle muscular dystrophy type 2A. Last evaluated: 2021-05-18. Review status: criteria provided, single submitter. Criteria: ACMG Guidelines, 2015. Collection method: clinical testing. Allele origin: germline. Affected: no.

Illumina Laboratory Services, Illumina
Classification: Uncertain significance for Limb-girdle muscular dystrophy, type 2A. Last evaluated: 2018-01-13. Review status: criteria provided, single submitter. Criteria: ICSL Variant Classification Criteria 13 December 2019. Collection method: clinical testing. Allele origin: germline.

CeGaT Center for Human Genetics Tuebingen
Classification: Likely benign. Last evaluated: 2017-12-01. Review status: criteria provided, single submitter. Criteria: CeGaT Center For Human Genetics Tuebingen Variant Classification Criteria Version 2. Collection method: clinical testing. Allele origin: germline. Affected: yes. Observed: 1 variant allele.

Eurofins Ntd Llc (ga)
Classification: Uncertain significance. Last evaluated: 2017-11-14. Review status: criteria provided, single submitter. Criteria: EGL Classification Definitions 2015. Collection method: clinical testing. Allele origin: germline. Observed: 1 variant allele, 1 heterozygote.

GeneDx
Classification: Likely benign. Last evaluated: 2017-09-19. Review status: criteria provided, single submitter. Criteria: GeneDx Variant Classification (06012015). Collection method: clinical testing. Allele origin: germline. Affected: yes.
Comment: This variant is considered likely benign or benign based on one or more of the following criteria: it is a conservative change, it occurs at a poorly conserved position in the protein, it is predicted to be benign by multiple in silico algorithms, and/or has population frequency not consistent with disease.

NM_000070.3(CAPN3):c.552G>A (p.Thr184=)

Gene: CAPN3 (calpain 3; plus strand). Cytogenetic location: 15q15.1.
Variant type: single nucleotide variant.
Coding change: c.552G>A on transcript NM_000070.3 (MANE Select); coding-DNA position 552, G replaced by A.
Protein change: p.Thr184=; no amino-acid change (threonine 184 retained).
Molecular consequence: synonymous variant.
Genome position (GRCh38, 1-based): chr15:42,387,806, G>A. VCF-style: chr15-42387806-G-A. GRCh37 (hg19) VCF-style: chr15-42680004-G-A.
Other names: c.552G>A, p.Thr184= (NM_024344.2, NM_173087.2).
Identifiers: ClinVar variation 512202 (VCV000512202.63), dbSNP rs147808529, ClinGen allele CA7511053.